The following is an entry in ClinVar:

ClinVar aggregate classification (germline): Uncertain significance. Review status: criteria provided, multiple submitters, no conflicts (2 of 4 stars). 5 submissions from 5 submitters: Uncertain significance (5). Last evaluated 2025-11-05.

Conditions:
Fanconi anemia complementation group L (FANCL). Also called: FANCL-Related Fanconi Anemia. Identifiers: Orphanet 84, MedGen C3469528, MONDO:0013566, OMIM 614083.
Fanconi anemia (FA). Also called: Fanconi's anemia. Identifiers: Orphanet 84, MedGen C0015625, MeSH D005199, MONDO:0019391.

Allele frequency attached by ClinVar (database versions not stated): gnomAD exomes 0.00001 and 0.00004; TOPMed 0.00006; ExAC 0.00006; gnomAD 0.00006.
gnomAD v4.1: 21 of 1,613,326 alleles (0.0013%); highest among the groups gnomAD compares: East Asian, 0.045%; no homozygotes.

Submissions (5):

Labcorp Genetics (formerly Invitae), Labcorp
Classification: Uncertain significance for Fanconi anemia. Last evaluated: 2025-11-05. Review status: criteria provided, single submitter. Criteria: Invitae Variant Classification Sherloc (09022015). Collection method: clinical testing. Allele origin: germline.
Comment: This sequence change replaces serine, which is neutral and polar, with leucine, which is neutral and non-polar, at codon 112 of the FANCL protein (p.Ser112Leu). This variant is present in population databases (rs756590256, gnomAD 0.07%). This missense change has been observed in individual(s) with apalstic anemia and/or gastric cancer (PMID: 36622392, 36627197). ClinVar contains an entry for this variant (Variation ID: 570640). Invitae Evidence Modeling of protein sequence and biophysical properties (such as structural, functional, and spatial information, amino acid conservation, physicochemical variation, residue mobility, and thermodynamic stability) indicates that this missense variant is not expected to disrupt FANCL protein function with a negative predictive value of 80%. In summary, the available evidence is currently insufficient to determine the role of this variant in disease. Therefore, it has been classified as a Variant of Uncertain Significance.

GeneDx
Classification: Uncertain significance. Last evaluated: 2025-03-25. Review status: criteria provided, single submitter. Criteria: GeneDx Variant Classification Process June 2021. Collection method: clinical testing. Allele origin: germline. Affected: yes.
Comment: In silico analysis supports that this missense variant has a deleterious effect on protein structure/function; Identified in the heterozygous state in a patient with acquired aplastic anemia who also harbored a variants in several other genes (PMID: 36622392); This variant is associated with the following publications: (PMID: 36627197, 36622392)

Blueprint Genetics
Classification: Uncertain significance. Last evaluated: 2020-09-23. Review status: criteria provided, single submitter. Criteria: ACMG Guidelines, 2015. Collection method: clinical testing. Allele origin: germline.

Breakthrough Genomics
Classification: Uncertain significance. Review status: criteria provided, single submitter. Criteria: ACMG Guidelines, 2015. Collection method: not provided. Allele origin: germline. Inheritance: Autosomal recessive inheritance. Affected: yes.

Juno Genomics, Hangzhou Juno Genomics, Inc
Classification: Uncertain significance for Fanconi anemia complementation group L. Review status: criteria provided, single submitter. Criteria: ACMG Guidelines, 2015. Collection method: clinical testing. Allele origin: germline.
Comment: Absent from controls (or at extremely low frequency if recessive) in Genome Aggregation Database.;Multiple lines of computational evidence suggest no impact on gene or gene product.

Literature cited by the submitters: PubMed 36622392 (cited by Labcorp Genetics (formerly Invitae), Labcorp); PubMed 36627197 (cited by Labcorp Genetics (formerly Invitae), Labcorp).

NM_018062.4(FANCL):c.335C>T (p.Ser112Leu)

Gene: FANCL (FA complementation group L; minus strand). Cytogenetic location: 2p16.1.
Variant type: single nucleotide variant.
Coding change: c.335C>T on transcript NM_018062.4 (MANE Select); coding-DNA position 335, C replaced by T.
Protein change: p.Ser112Leu; replaces serine 112 with leucine.
Molecular consequence: missense variant.
Genome position (GRCh38, 1-based): chr2:58,221,981, G>A on the plus strand (C>T on the coding strand, the complement: FANCL is on the minus strand). VCF-style: chr2-58221981-G-A. GRCh37 (hg19) VCF-style: chr2-58449116-G-A.
Other names: c.335C>T, p.Ser112Leu (NM_001410792.1, NM_001114636.2, NM_001374615.1); short protein forms S112L.
Identifiers: ClinVar variation 570640 (VCV000570640.13), dbSNP rs756590256, ClinGen allele CA1670683.
Genomic context (GRCh38, chr2:58,221,981, plus strand): 5'-CATATTTTAAAACAGACATACTTATCCCAACCAAGAGTTCCTATCTCTTCAATAAGGCTT[G>A]AGTAGAACTGGGGAGGAGGAGGTAGTGCATACAGCTCTTGTCTATTCTTTAAGGCAACTT-3'
Protein context (NP_060532.2, residues 102-122): YALPPPPQFY[Ser112Leu]SLIEEIGTLG